The following is an entry in ClinVar:

NM_002181.4(IHH):c.500C>T (p.Ala167Val)

Gene: IHH (Indian hedgehog signaling molecule; minus strand). Cytogenetic location: 2q35.
Variant type: single nucleotide variant.
Coding change: c.500C>T on transcript NM_002181.4 (MANE Select); coding-DNA position 500, C replaced by T.
Protein change: p.Ala167Val; replaces alanine 167 with valine.
Molecular consequence: missense variant.
Genome position (GRCh38, 1-based): chr2:219,057,510, G>A on the plus strand (C>T on the coding strand, the complement: IHH is on the minus strand). VCF-style: chr2-219057510-G-A. GRCh37 (hg19) VCF-style: chr2-219922232-G-A.
Other names: short protein forms A167V.
Identifiers: ClinVar variation 5006217 (VCV005006217.2).

ClinVar aggregate classification (germline): Uncertain significance (1 of 4 stars; one submission).

Conditions:
Acrocapitofemoral dysplasia (ACFD). Identifiers: Orphanet 63446, MedGen C1843096, MONDO:0011907, OMIM 607778.
Brachydactyly type A1. Also called: FARABEE-TYPE BRACHYDACTYLY; SHORT STATURE WITH NONSPECIFIC SKELETAL ABNORMALITIES 2. Identifiers: Orphanet 93388, MedGen C1862151, MONDO:0007215, OMIM 112500, HP:0009371.

Submission:

Juno Genomics, Hangzhou Juno Genomics, Inc
Classification: Uncertain significance for Acrocapitofemoral dysplasia; Brachydactyly type A1. Review status: criteria provided, single submitter. Criteria: ACMG Guidelines, 2015. Collection method: clinical testing. Allele origin: germline.
Comment: Absent from controls (or at extremely low frequency if recessive) in Genome Aggregation Database.;Multiple lines of computational evidence support a deleterious effect on the gene or gene product.